The following is an entry in ClinVar:

ClinVar aggregate classification (germline): Uncertain significance (1 of 4 stars; one submission).

Submission:

GeneDx
Classification: Uncertain significance. Last evaluated: 2022-10-19. Review status: criteria provided, single submitter. Criteria: GeneDx Variant Classification Process June 2021. Collection method: clinical testing. Allele origin: germline. Affected: yes.
Comment: Not observed at significant frequency in large population cohorts (gnomAD); In silico analysis supports that this missense variant does not alter protein structure/function, but splice predictors suggests this variant may impact gene splicing. In the absence of RNA/functional studies, the actual effect of this sequence change is unknown.; Has not been previously published as pathogenic or benign to our knowledge

NM_022455.5(NSD1):c.4501G>A (p.Glu1501Lys)

Gene: NSD1 (nuclear receptor binding SET domain protein 1; plus strand). Cytogenetic location: 5q35.3.
Variant type: single nucleotide variant.
Coding change: c.4501G>A on transcript NM_022455.5 (MANE Select); coding-DNA position 4501, G replaced by A.
Protein change: p.Glu1501Lys; replaces glutamic acid 1501 with lysine.
Molecular consequence: missense variant.
Genome position (GRCh38, 1-based): chr5:177,248,184, G>A. VCF-style: chr5-177248184-G-A. GRCh37 (hg19) VCF-style: chr5-176675185-G-A.
Other names: c.3628G>A, p.Glu1210Lys (NM_001365684.2, NM_001409306.1, NM_001409307.1 and 3 more transcripts); c.4501G>A, p.Glu1501Lys (NM_001409301.1, NM_001409302.1, NM_001409303.1); c.4081G>A, p.Glu1361Lys (NM_001409304.1); c.3748G>A, p.Glu1250Lys (NM_001409305.1); short protein forms E1210K, E1250K, E1361K, E1501K.
Identifiers: ClinVar variation 2499915 (VCV002499915.1), dbSNP rs2480629079, ClinGen allele CA362349392.
Genomic context (GRCh38, chr5:177,248,184, plus strand): 5'-GTCAAATGGAAGAGACATCAATAATACAGATGTGGGACATTATTTTTTCTTTGCAAGGGA[G>A]AACTAATGCCTCACAGGACGGCCACAAGCCCCAAGGAGACTGTTGAGGAAGGTGTAGAAC-3'
Protein context (NP_071900.2, residues 1491-1511): SSKEIPGSEG[Glu1501Lys]LMPHRTATSP